The following is an entry in ClinVar:

NM_020919.4(ALS2):c.1988C>T (p.Ser663Phe)

Gene: ALS2 (alsin Rho guanine nucleotide exchange factor ALS2; minus strand). Cytogenetic location: 2q33.1.
Variant type: single nucleotide variant.
Coding change: c.1988C>T on transcript NM_020919.4 (MANE Select); coding-DNA position 1988, C replaced by T.
Protein change: p.Ser663Phe; replaces serine 663 with phenylalanine.
Molecular consequence: missense variant.
Genome position (GRCh38, 1-based): chr2:201,746,576, G>A on the plus strand (C>T on the coding strand, the complement: ALS2 is on the minus strand). VCF-style: chr2-201746576-G-A. GRCh37 (hg19) VCF-style: chr2-202611299-G-A.
Other names: short protein forms S663F.
Identifiers: ClinVar variation 1053618 (VCV001053618.9), dbSNP rs1410762746, ClinGen allele CA350325297.

ClinVar aggregate classification (germline): Uncertain significance (1 of 4 stars; one submission).

Conditions:
Infantile-onset ascending hereditary spastic paralysis (IAHSP). Also called: Autosomal Recessive Juvenile Amyotrophic Lateral Sclerosis; Infantile-Onset Ascending Hereditary Spastic Paralysis (IAHSP). Identifiers: Orphanet 293168, MedGen C2931441, MONDO:0011797, OMIM 607225. Disease mechanism: loss of function.

Allele frequency attached by ClinVar (database versions not stated): gnomAD 0.00001; gnomAD exomes 0.00001; TOPMed 0.00001.
gnomAD v4.1: 15 of 1,614,010 alleles (0.00093%); highest among the groups gnomAD compares: Non-Finnish European, 0.0012%; no homozygotes.

Submission:

Labcorp Genetics (formerly Invitae), Labcorp
Classification: Uncertain significance for Infantile-onset ascending hereditary spastic paralysis. Last evaluated: 2020-05-30. Review status: criteria provided, single submitter. Criteria: Invitae Variant Classification Sherloc (09022015). Collection method: clinical testing. Allele origin: germline.
Comment: This sequence change replaces serine with phenylalanine at codon 663 of the ALS2 protein (p.Ser663Phe). The serine residue is moderately conserved and there is a large physicochemical difference between serine and phenylalanine. This variant is not present in population databases (ExAC no frequency). This variant has not been reported in the literature in individuals with ALS2-related conditions. Algorithms developed to predict the effect of missense changes on protein structure and function (SIFT, PolyPhen-2, Align-GVGD) all suggest that this variant is likely to be tolerated, but these predictions have not been confirmed by published functional studies and their clinical significance is uncertain. In summary, the available evidence is currently insufficient to determine the role of this variant in disease. Therefore, it has been classified as a Variant of Uncertain Significance.